The following is an entry in ClinVar:

NM_032383.5(HPS3):c.2706del (p.Glu903fs)

Genes: CP (ceruloplasmin; minus strand), HPS3 (HPS3 biogenesis of lysosomal organelles complex 2 subunit 1; plus strand). Cytogenetic location: 3q24.
Variant type: Deletion.
Coding change: c.2706del on transcript NM_032383.5 (MANE Select); coding-DNA position 2706, one base deleted (A; older notation c.2706delA).
Protein change: p.Glu903fs; shifts the reading frame from glutamic acid 903.
Molecular consequence: frameshift variant.
Genome position (GRCh38, 1-based): chr3:149,167,150, A deleted; the last of 3 consecutive A bases (chr3:149,167,148-149,167,150); deleting any one gives the same sequence. VCF-style (leftmost placement, unchanged base first): chr3-149167147-GA-G. GRCh37 (hg19) VCF-style: chr3-148884934-GA-G.
Other names: c.2211del, p.Glu738fs (NM_001308258.2); short protein forms E738fs, E903fs.
Identifiers: ClinVar variation 2817354 (VCV002817354.3), dbSNP rs2472688813, ClinGen allele CA2739277879.

ClinVar aggregate classification (germline): Pathogenic (1 of 4 stars; one submission).

Submission:

Labcorp Genetics (formerly Invitae), Labcorp
Classification: Pathogenic. Last evaluated: 2022-11-29. Review status: criteria provided, single submitter. Criteria: Invitae Variant Classification Sherloc (09022015). Collection method: clinical testing. Allele origin: germline.
Comment: This sequence change creates a premature translational stop signal (p.Glu903Serfs*6) in the HPS3 gene. It is expected to result in an absent or disrupted protein product. Loss-of-function variants in HPS3 are known to be pathogenic (PMID: 11590544). This variant is not present in population databases (gnomAD no frequency). This variant has not been reported in the literature in individuals affected with HPS3-related conditions. For these reasons, this variant has been classified as Pathogenic.

Literature cited by the submitters: PubMed 11590544.